The following is an entry in ClinVar:

NM_017654.4(SAMD9):c.707A>C (p.His236Pro)

Gene: SAMD9 (sterile alpha motif domain containing 9; minus strand). Cytogenetic location: 7q21.2.
Variant type: single nucleotide variant.
Coding change: c.707A>C on transcript NM_017654.4 (MANE Select); coding-DNA position 707, A replaced by C.
Protein change: p.His236Pro; replaces histidine 236 with proline.
Molecular consequence: missense variant.
Genome position (GRCh38, 1-based): chr7:93,105,391, T>G on the plus strand (A>C on the coding strand, the complement: SAMD9 is on the minus strand). VCF-style: chr7-93105391-T-G. GRCh37 (hg19) VCF-style: chr7-92734704-T-G.
Other names: c.707A>C, p.His236Pro (NM_001193307.2); short protein forms H236P.
Identifiers: ClinVar variation 4629973 (VCV004629973.1).

ClinVar aggregate classification (germline): Uncertain significance (1 of 4 stars; one submission).

Conditions:
Inborn genetic diseases. Identifiers: MedGen C0950123, MeSH D030342.

Submission:

Ambry Genetics
Classification: Uncertain significance for Inborn genetic diseases. Last evaluated: 2025-11-29. Review status: criteria provided, single submitter. Criteria: Ambry Variant Classification Scheme 2023. Collection method: clinical testing. Allele origin: germline.
Comment: The p.H236P variant (also known as c.707A>C), located in coding exon 1 of the SAMD9 gene, results from an A to C substitution at nucleotide position 707. The histidine at codon 236 is replaced by proline, an amino acid with similar properties. This amino acid position is conserved. In addition, the in silico prediction for this alteration is inconclusive. Based on the available evidence, the clinical significance of this variant remains unclear.